The following is an entry in ClinVar:

ClinVar aggregate classification (germline): Pathogenic. Review status: criteria provided, multiple submitters, no conflicts (2 of 4 stars). 6 submissions from 6 submitters: Pathogenic (6). Last evaluated 2026-01-12.

Conditions:
Dilated cardiomyopathy 1GG (CMD1GG). Identifiers: Orphanet 154, MedGen C3150898, MONDO:0013339, OMIM 613642.
Mitochondrial complex II deficiency, nuclear type 1. Also called: SUCCINATE CoQ REDUCTASE DEFICIENCY. Identifiers: Orphanet 3208, MedGen C5700310, MONDO:0100294, OMIM 252011.
Pheochromocytoma/paraganglioma syndrome 5. Also called: Paragangliomas 5; SDHA-Related Hereditary Paraganglioma-Pheochromocytoma Syndrome. Identifiers: Orphanet 29072, MedGen C3279992, MONDO:0013602, OMIM 614165.
Neurodegeneration with ataxia and late-onset optic atrophy. Identifiers: MedGen C5543254, MONDO:0031006, OMIM 619259.
Hereditary cancer-predisposing syndrome. Also called: Hereditary neoplastic syndrome; Hereditary Cancer Syndrome; Neoplastic Syndromes, Hereditary; Tumor predisposition. Identifiers: Orphanet 140162, MedGen C0027672, MeSH D009386, MONDO:0015356.

Allele frequency attached by ClinVar (database versions not stated): gnomAD exomes below 0.00001; TOPMed below 0.00001; gnomAD 0.00001.
gnomAD v4.1: 5 of 1,613,804 alleles (0.00031%); highest among the groups gnomAD compares: African/African-American, 0.0013%; no homozygotes.

Submissions (6):

Labcorp Genetics (formerly Invitae), Labcorp
Classification: Pathogenic for Pheochromocytoma/paraganglioma syndrome 5; Mitochondrial complex II deficiency, nuclear type 1. Last evaluated: 2026-01-12. Review status: criteria provided, single submitter. Criteria: Invitae Variant Classification Sherloc (09022015). Collection method: clinical testing. Allele origin: germline.
Comment: This sequence change creates a premature translational stop signal (p.Arg352*) in the SDHA gene. It is expected to result in an absent or disrupted protein product. Loss-of-function variants in SDHA are known to be pathogenic (PMID: 22974104, 24781757). This variant is not present in population databases (gnomAD no frequency). This variant has not been reported in the literature in individuals affected with SDHA-related conditions. ClinVar contains an entry for this variant (Variation ID: 239634). For these reasons, this variant has been classified as Pathogenic.

Ambry Genetics
Classification: Pathogenic for Hereditary cancer-predisposing syndrome. Last evaluated: 2025-03-24. Review status: criteria provided, single submitter. Criteria: Ambry Variant Classification Scheme 2023. Collection method: clinical testing. Allele origin: germline.
Comment: The p.R352* pathogenic mutation (also known as c.1054C>T), located in coding exon 8 of the SDHA gene, results from a C to T substitution at nucleotide position 1054. This changes the amino acid from an arginine to a stop codon within coding exon 8. This mutation has been detected in patients with paraganglioma and gastrointestinal stromal tumor (GIST) (Ma X et al. Front Endocrinol (Lausanne), 2020 Dec;11:574662; Ambry internal data). In addition to the clinical data presented in the literature, this alteration is expected to result in loss of function by premature protein truncation or nonsense-mediated mRNA decay. As such, this alteration is interpreted as a disease-causing mutation. This amino acid position is highly conserved in available vertebrate species.

Myriad Genetics, Inc.
Classification: Pathogenic for Pheochromocytoma/paraganglioma syndrome 5. Last evaluated: 2023-02-08. Review status: criteria provided, single submitter. Criteria: Myriad Autosomal Dominant, Autosomal Recessive and X-Linked Classification Criteria (2023). Collection method: clinical testing. Allele origin: unknown.
Comment: This variant is considered pathogenic. This variant creates a termination codon and is predicted to result in premature protein truncation.

Victorian Clinical Genetics Services, Murdoch Childrens Research Institute
Classification: Pathogenic for Pheochromocytoma/paraganglioma syndrome 5. Last evaluated: 2022-09-02. Review status: criteria provided, single submitter. Criteria: ACMG Guidelines, 2015. Collection method: clinical testing. Allele origin: germline. Inheritance: Autosomal dominant inheritance. Affected: no.
Comment: Based on the classification scheme VCGS_Germline_v1.3.4, this variant is classified as Pathogenic. Following criteria are met: 0102 - Loss of function is a known mechanism of disease in this gene and is associated with SDHA-related disorders. (I) 0108 - This gene is associated with both recessive and dominant disease (OMIM). (I) 0112 - Variants in this gene are known to have reduced penetrance for paragangliomas 5 (PMID: 29978154). (I) 0201 - Variant is predicted to cause nonsense-mediated decay (NMD) and loss of protein (premature termination codon is located at least 54 nucleotides upstream of the final exon-exon junction). (SP) 0251 - This variant is heterozygous. (I) 0304 - Variant is present in gnomAD (v3) <0.01 for a recessive condition (1 heterozygote, 0 homozygotes). (SP) 0701 - Other NMD-predicted variants comparable to the one identified in this case have very strong previous evidence for pathogenicity (DECIPHER). This includes NMD predicted variants that have been observed in individuals with paragangliomas (PMID: 33362715, 30201732). (SP) 0801 - This variant has strong previous evidence of pathogenicity in unrelated individuals. This variant has been observed in six individuals, including two with paragangliomas (ClinVar, Peter MacCallum Cancer Centre, PMID: 33362715). (SP) 0905 - No published segregation evidence has been identified for this variant. (I) 1007 - No published functional evidence has been identified for this variant. (I) Legend: (SP) - Supporting pathogenic, (I) - Information, (SB) - Supporting benign

Baylor Genetics
Classification: Pathogenic for Mitochondrial complex II deficiency, nuclear type 1. Last evaluated: 2020-05-05. Review status: criteria provided, single submitter. Criteria: ACMG Guidelines, 2015. Collection method: clinical testing. Allele origin: unknown. Affected: yes.
Comment: This variant was determined to be pathogenic according to ACMG Guidelines, 2015 [PMID:25741868].

Juno Genomics, Hangzhou Juno Genomics, Inc
Classification: Pathogenic for Dilated cardiomyopathy 1GG; Mitochondrial complex II deficiency, nuclear type 1; Neurodegeneration with ataxia and late-onset optic atrophy; Pheochromocytoma/paraganglioma syndrome 5. Review status: criteria provided, single submitter. Criteria: ACMG Guidelines, 2015. Collection method: clinical testing. Allele origin: germline.
Comment: Absent from controls (or at extremely low frequency if recessive) in Genome Aggregation Database.;Null variant in a gene where loss of function (LOF) is a known mechanism of disease.;Patient's phenotype or family history is highly specific for a disease with a single genetic etiology.

Literature cited by the submitters: PubMed 22974104 (cited by Labcorp Genetics (formerly Invitae), Labcorp); PubMed 24781757 (cited by Labcorp Genetics (formerly Invitae), Labcorp); PubMed 33362715 (cited by Ambry Genetics and Victorian Clinical Genetics Services, Murdoch Childrens Research Institute); PubMed 29978154 (cited by Victorian Clinical Genetics Services, Murdoch Childrens Research Institute); PubMed 30201732 (cited by Victorian Clinical Genetics Services, Murdoch Childrens Research Institute).

NM_004168.4(SDHA):c.1054C>T (p.Arg352Ter)

Gene: SDHA (succinate dehydrogenase complex flavoprotein subunit A; plus strand). Cytogenetic location: 5p15.33.
Variant type: single nucleotide variant.
Coding change: c.1054C>T on transcript NM_004168.4 (MANE Select); coding-DNA position 1054, C replaced by T.
Protein change: p.Arg352Ter; replaces arginine 352 with a stop codon.
Molecular consequence: nonsense.
Genome position (GRCh38, 1-based): chr5:233,635, C>T. VCF-style: chr5-233635-C-T. GRCh37 (hg19) VCF-style: chr5-233750-C-T.
Other names: c.910C>T, p.Arg304Ter (NM_001294332.2); c.1054C>T, p.Arg352Ter (NM_001330758.2); short protein forms R352*, R304*.
Identifiers: ClinVar variation 239634 (VCV000239634.22), dbSNP rs746165168, ClinGen allele CA10582426.
Genomic context (GRCh38, chr5:233,635, plus strand): 5'-CCTGTCGCGAAGGACCTGGCGTCTAGAGATGTGGTGTCTCGGTCCATGACTCTGGAGATC[C>T]GAGAAGGAAGGTGCGTGTGATTTACCACCAGCACTGTCTGAGCGGGCACACGGGCCGGGG-3'